The following is an entry in ClinVar:

NM_025081.3(NYNRIN):c.3495C>T (p.Thr1165=)

Gene: NYNRIN (NYN domain and retroviral integrase containing; plus strand). Cytogenetic location: 14q12.
Variant type: single nucleotide variant.
Coding change: c.3495C>T on transcript NM_025081.3 (MANE Select); coding-DNA position 3495, C replaced by T.
Protein change: p.Thr1165=; no amino-acid change (threonine 1165 retained).
Molecular consequence: synonymous variant.
Genome position (GRCh38, 1-based): chr14:24,415,244, C>T. VCF-style: chr14-24415244-C-T. GRCh37 (hg19) VCF-style: chr14-24884450-C-T.
Identifiers: ClinVar variation 2917587 (VCV002917587.3), dbSNP rs369620295, ClinGen allele CA7137252.

ClinVar aggregate classification (germline): Uncertain significance (1 of 4 stars; one submission).

Allele frequency attached by ClinVar (database versions not stated): ExAC 0.00004; TOPMed 0.00004; gnomAD 0.00005; ESP Exome Variant Server 0.00008; 1000 Genomes Project 30x 0.00031; 1000 Genomes Project 0.00040.
gnomAD v4.1: 44 of 1,613,566 alleles (0.0027%); highest among the groups gnomAD compares: Middle Eastern, 0.033%; no homozygotes.

Submission:

Labcorp Genetics (formerly Invitae), Labcorp
Classification: Uncertain significance. Last evaluated: 2024-01-18. Review status: criteria provided, single submitter. Criteria: Invitae Variant Classification Sherloc (09022015). Collection method: clinical testing. Allele origin: germline.
Comment: This sequence change affects codon 1165 of the NYNRIN mRNA. It is a 'silent' change, meaning that it does not change the encoded amino acid sequence of the NYNRIN protein. This variant is present in population databases (rs369620295, gnomAD 0.01%). This variant has not been reported in the literature in individuals affected with NYNRIN-related conditions. Experimental studies and prediction algorithms are not available or were not evaluated, and the effect of this variant on mRNA splicing is currently unknown. In summary, the available evidence is currently insufficient to determine the role of this variant in disease. Therefore, it has been classified as a Variant of Uncertain Significance.